The following is an entry in ClinVar:

NM_004304.5(ALK):c.3801G>C (p.Lys1267Asn)

Gene: ALK (ALK receptor tyrosine kinase; minus strand). Cytogenetic location: 2p23.2.
Variant type: single nucleotide variant.
Coding change: c.3801G>C on transcript NM_004304.5 (MANE Select); coding-DNA position 3801, G replaced by C.
Protein change: p.Lys1267Asn; replaces lysine 1267 with asparagine.
Molecular consequence: missense variant.
Genome position (GRCh38, 1-based): chr2:29,209,821, C>G on the plus strand (G>C on the coding strand, the complement: ALK is on the minus strand). VCF-style: chr2-29209821-C-G. GRCh37 (hg19) VCF-style: chr2-29432687-C-G.
Other names: c.597G>C, p.Lys199Asn (NM_001353765.2); short protein forms K1267N, K199N.
Identifiers: ClinVar variation 575655 (VCV000575655.8), dbSNP rs1558614450, ClinGen allele CA346469653.
Genomic context (GRCh38, chr2:29,209,821, plus strand): 5'-GAGGGGTGAGGCAGTCTTTACTCACCTGTAGATGTCTCGGGCCATCCCGAAGTCTCCAAT[C>G]TTGGCCACTCTTCCAGGGCCTGGACAGGTCAAGAGGCAGTTTCTGGCAGCAATGTCTCTG-3'
Protein context (NP_004295.2, residues 1257-1277): LTCPGPGRVA[Lys1267Asn]IGDFGMARDI

ClinVar aggregate classification (germline): Uncertain significance (1 of 4 stars; one submission).

Conditions:
Neuroblastoma, susceptibility to, 3. Also called: ALK-Related Neuroblastic Tumor Susceptibility. Identifiers: Orphanet 635, MedGen C2751681, MONDO:0013083, OMIM 613014.

Submission:

Labcorp Genetics (formerly Invitae), Labcorp
Classification: Uncertain significance for Neuroblastoma, susceptibility to, 3. Last evaluated: 2018-05-30. Review status: criteria provided, single submitter. Criteria: Invitae Variant Classification Sherloc (09022015). Collection method: clinical testing. Allele origin: germline.
Comment: In summary, the available evidence is currently insufficient to determine the role of this variant in disease. Therefore, it has been classified as a Variant of Uncertain Significance. Algorithms developed to predict the effect of missense changes on protein structure and function (SIFT, PolyPhen-2, Align-GVGD) all suggest that this variant is likely to be disruptive, but these predictions have not been confirmed by published functional studies and their clinical significance is uncertain. This variant has not been reported in the literature in individuals with ALK-related disease. This variant is not present in population databases (ExAC no frequency). This sequence change replaces lysine with asparagine at codon 1267 of the ALK protein (p.Lys1267Asn). The lysine residue is highly conserved and there is a moderate physicochemical difference between lysine and asparagine.